The following is an entry in ClinVar:

ClinVar aggregate classification (germline): Benign/Likely benign. Review status: criteria provided, multiple submitters, no conflicts (2 of 4 stars). 11 submissions from 10 submitters: Benign (5); Likely benign (6). Last evaluated 2026-01-19.

Conditions:
WFS1-Related Spectrum Disorders.
Cataract 41 (CTRCT41). Also called: CATARACT 41, CONGENITAL NUCLEAR TYPE. Identifiers: Orphanet 91492, Orphanet 98991, Orphanet 98992, Orphanet 98995, MedGen C3805412, MONDO:0007287, OMIM 116400.
Type 2 diabetes mellitus. Also called: Type II diabetes mellitus. Identifiers: MedGen C0011860, MeSH D003924, MONDO:0005148, OMIM 125853, HP:0005978.
Wolfram syndrome 1 (WFS1). Identifiers: Orphanet 3463, MedGen C4551693, MONDO:0009101, OMIM 222300.
Wolfram-like syndrome. Also called: HEARING LOSS, PROGRESSIVE, WITH OPTIC ATROPHY AND/OR IMPAIRED GLUCOSE REGULATION. Identifiers: Orphanet 411590, MedGen C3280358, MONDO:0013673, OMIM 614296.
Autosomal dominant nonsyndromic hearing loss 6 (LFSNHL). Also called: DEAFNESS, AUTOSOMAL DOMINANT 6; DEAFNESS, AUTOSOMAL DOMINANT 14; DEAFNESS, AUTOSOMAL DOMINANT 38; Autosomal dominant nonsyndromic deafness 6. Identifiers: Orphanet 90635, MedGen C1833021, MONDO:0010963, OMIM 600965.

Allele frequency attached by ClinVar (database versions not stated): gnomAD exomes 0.00049; ExAC 0.00054; gnomAD 0.00171 and 0.00183; TOPMed 0.00215; ESP Exome Variant Server 0.00231; 1000 Genomes Project 0.00280; 1000 Genomes Project 30x 0.00344.
gnomAD v4.1: 551 of 1,611,908 alleles (0.034%); highest among the groups gnomAD compares: African/African-American, 0.59%; 1 homozygote.

Submissions (11):

Labcorp Genetics (formerly Invitae), Labcorp
Classification: Benign. Last evaluated: 2026-01-19. Review status: criteria provided, single submitter. Criteria: Invitae Variant Classification Sherloc (09022015). Collection method: clinical testing. Allele origin: germline.

Blueprint Genetics
Classification: Likely benign. Last evaluated: 2024-10-10. Review status: criteria provided, single submitter. Criteria: ACMG Guidelines, 2015. Collection method: clinical testing. Allele origin: germline.

Fulgent Genetics
Classification: Likely benign for Cataract 41; Type 2 diabetes mellitus; Wolfram syndrome 1; Autosomal dominant nonsyndromic hearing loss 6; Wolfram-like syndrome. Last evaluated: 2021-09-09. Review status: criteria provided, single submitter. Criteria: ACMG Guidelines, 2015. Collection method: clinical testing. Allele origin: unknown.

GeneDx
Classification: Likely benign. Last evaluated: 2021-05-22. Review status: criteria provided, single submitter. Criteria: GeneDx Variant Classification Process June 2021. Collection method: clinical testing. Allele origin: germline. Affected: yes.

CeGaT Center for Human Genetics Tuebingen
Classification: Likely benign. Last evaluated: 2020-04-01. Review status: criteria provided, single submitter. Criteria: CeGaT Center For Human Genetics Tuebingen Variant Classification Criteria Version 2. Collection method: clinical testing. Allele origin: germline. Affected: yes. Observed: 1 variant allele.

ARUP Laboratories, Molecular Genetics and Genomics, ARUP Laboratories
Classification: Benign. Last evaluated: 2020-02-14. Review status: criteria provided, single submitter. Criteria: ARUP Molecular Germline Variant Investigation Process. Collection method: clinical testing. Allele origin: germline.

Illumina Laboratory Services, Illumina
Classification: Likely benign for Autosomal dominant nonsyndromic hearing loss 6. Last evaluated: 2017-04-27. Review status: criteria provided, single submitter. Criteria: ICSL Variant Classification Criteria 13 December 2019. Collection method: clinical testing. Allele origin: germline.
Comment: This variant was observed as part of a predisposition screen in an ostensibly healthy population. A literature search was performed for the gene, cDNA change, and amino acid change (where applicable). No publications were found based on this search. Allele frequency data from public databases allowed determination this variant is unlikely to cause disease. Therefore, this variant is classified as likely benign.

Illumina Laboratory Services, Illumina
Classification: Likely benign for WFS1-Related Spectrum Disorders. Last evaluated: 2017-04-27. Review status: criteria provided, single submitter. Criteria: ICSL Variant Classification Criteria 13 December 2019. Collection method: clinical testing. Allele origin: germline.
Comment: the same text as in the submission from Illumina Laboratory Services, Illumina above.

Laboratory for Molecular Medicine, Mass General Brigham Personalized Medicine
Classification: Benign. Last evaluated: 2012-05-07. Review status: criteria provided, single submitter. Criteria: LMM Criteria. Collection method: clinical testing. Allele origin: germline. Observed: 2 variant alleles.
Comment: "Tyr510Tyr in Exon 08 of WFS1: This variant is not expected to have clinical sig nificance because it does not alter an amino acid residue, is not located within the splice consensus sequence, and has been identified in 0.7% (26/3738) of Afr ican American chromosomes from a broad population by the NHLBI Exome Sequencing Project (dbSNP rs35789242)."

Clinical Genomics, Uppaluri K&H Personalized Medicine Clinic
Classification: Benign for Wolfram syndrome 1. Review status: criteria provided, single submitter. Criteria: K & H Uppaluri Personalized Medicine Clinic Variant Classification & Assertion Criteria_Updated V.1. Collection method: research. Allele origin: unknown. Inheritance: Autosomal recessive inheritance.
Comment: Potent mutations in WFS1 gene are associated with Wolfram's syndrome, an autosomal recessive condition, which cause diabetes mellitus, diabetes insipidus, deafness and optic atrophy. However no sufficient evidence is found to ascertain the role of this particular variant rs35789242 in Wolfram's syndrome yet.

PreventionGenetics, part of Exact Sciences
Classification: Benign. Review status: criteria provided, single submitter. Criteria: ACMG Guidelines, 2015. Collection method: clinical testing. Allele origin: germline.

Literature cited by the submitters: PubMed 20738327 (cited by Clinical Genomics, Uppaluri K&H Personalized Medicine Clinic); PubMed 33879153 (cited by Clinical Genomics, Uppaluri K&H Personalized Medicine Clinic); PubMed 12955714 (cited by Clinical Genomics, Uppaluri K&H Personalized Medicine Clinic); PubMed 18060660 (cited by Clinical Genomics, Uppaluri K&H Personalized Medicine Clinic); PubMed 20301750 (cited by Clinical Genomics, Uppaluri K&H Personalized Medicine Clinic); PubMed 17603484 (cited by Clinical Genomics, Uppaluri K&H Personalized Medicine Clinic).

NM_006005.3(WFS1):c.1530C>T (p.Tyr510=)

Gene: WFS1 (wolframin ER transmembrane glycoprotein; plus strand). Cytogenetic location: 4p16.1.
Variant type: single nucleotide variant.
Coding change: c.1530C>T on transcript NM_006005.3 (MANE Select); coding-DNA position 1530, C replaced by T.
Protein change: p.Tyr510=; no amino-acid change (tyrosine 510 retained).
Molecular consequence: synonymous variant.
Genome position (GRCh38, 1-based): chr4:6,301,325, C>T. VCF-style: chr4-6301325-C-T. GRCh37 (hg19) VCF-style: chr4-6303052-C-T.
Other names: c.1530C>T, p.Tyr510= (NM_001145853.1).
Identifiers: ClinVar variation 166591 (VCV000166591.68), dbSNP rs35789242, ClinGen allele CA179653.